The following is an entry in ClinVar:

ClinVar aggregate classification (germline): Uncertain significance. Review status: criteria provided, multiple submitters, no conflicts (2 of 4 stars). 2 submissions from 2 submitters: Uncertain significance (2). Last evaluated 2024-03-02.

Conditions:
Muscular dystrophy-dystroglycanopathy (congenital with brain and eye anomalies), type A14. Also called: WALKER-WARBURG SYNDROME OR MUSCLE-EYE-BRAIN DISEASE, GMPPB-RELATED; Congenital Muscular Dystrophy-Dystroglycanopathy with Brain and Eye Anomalies Type A 14; Congenital muscular dystrophy-dystroglycanopathy with brain and eye anomalies, type A14; Muscular dystrophy-dystroglycanopathy (congenital with brain and eye anomalies), type a, 14. Identifiers: Orphanet 588, MedGen C3809216, MONDO:0014140, OMIM 615350.
Muscular dystrophy-dystroglycanopathy (congenital with impaired intellectual development), type B, 14. Also called: Muscular dystrophy-dystroglycanopathy (congenital with intellectual disability), type B14; MUSCULAR DYSTROPHY, CONGENITAL, GMPPB-RELATED; Congenital muscular dystrophy-dystroglycanopathy with mental retardation, type B14. Identifiers: MedGen C3809221, MONDO:0014141, OMIM 615351.
Autosomal recessive limb-girdle muscular dystrophy type 2T. Also called: MUSCULAR DYSTROPHY-DYSTROGLYCANOPATHY, LIMB-GIRDLE, GMPPB-RELATED; Limb-girdle muscular dystrophy-dystroglycanopathy, type C14; MUSCULAR DYSTROPHY, LIMB-GIRDLE, TYPE 2T; Muscular dystrophy-dystroglycanopathy (limb-girdle), type c, 14. Identifiers: Orphanet 363623, MedGen C4518000, MONDO:0014142, OMIM 615352.
Inborn genetic diseases. Identifiers: MedGen C0950123, MeSH D030342.

Allele frequency attached by ClinVar (database versions not stated): gnomAD exomes 0.00001; TOPMed below 0.00001; ExAC 0.00001.
gnomAD v4.1: 2 of 1,583,298 alleles (0.00013%); highest among the groups gnomAD compares: Non-Finnish European, 0.00017%; no homozygotes.

Submissions (2):

Labcorp Genetics (formerly Invitae), Labcorp
Classification: Uncertain significance for Autosomal recessive limb-girdle muscular dystrophy type 2T; Muscular dystrophy-dystroglycanopathy (congenital with brain and eye anomalies), type A14; Muscular dystrophy-dystroglycanopathy (congenital with impaired intellectual development), type B, 14. Last evaluated: 2024-03-02. Review status: criteria provided, single submitter. Criteria: Invitae Variant Classification Sherloc (09022015). Collection method: clinical testing. Allele origin: germline.
Comment: This sequence change replaces phenylalanine, which is neutral and non-polar, with leucine, which is neutral and non-polar, at codon 28 of the GMPPB protein (p.Phe28Leu). This variant is present in population databases (rs762117823, gnomAD 0.002%). This variant has not been reported in the literature in individuals affected with GMPPB-related conditions. ClinVar contains an entry for this variant (Variation ID: 986242). Advanced modeling of protein sequence and biophysical properties (such as structural, functional, and spatial information, amino acid conservation, physicochemical variation, residue mobility, and thermodynamic stability) has been performed at Invitae for this missense variant, however the output from this modeling did not meet the statistical confidence thresholds required to predict the impact of this variant on GMPPB protein function. In summary, the available evidence is currently insufficient to determine the role of this variant in disease. Therefore, it has been classified as a Variant of Uncertain Significance.

Ambry Genetics
Classification: Uncertain significance for Inborn genetic diseases. Last evaluated: 2018-09-19. Review status: criteria provided, single submitter. Criteria: Ambry exome assertion method (8-5-2015). Collection method: clinical testing. Allele origin: germline. Affected: yes. Observed: 1 variant allele.

NM_021971.4(GMPPB):c.84C>A (p.Phe28Leu)

Gene: GMPPB (GDP-mannose pyrophosphorylase B; minus strand). Cytogenetic location: 3p21.31.
Variant type: single nucleotide variant.
Coding change: c.84C>A on transcript NM_021971.4 (MANE Select); coding-DNA position 84, C replaced by A.
Protein change: p.Phe28Leu; replaces phenylalanine 28 with leucine.
Molecular consequence: missense variant.
Genome position (GRCh38, 1-based): chr3:49,723,643, G>T on the plus strand (C>A on the coding strand, the complement: GMPPB is on the minus strand). VCF-style: chr3-49723643-G-T. GRCh37 (hg19) VCF-style: chr3-49761076-G-T.
Other names: c.84C>A, p.Phe28Leu (NM_013334.4); short protein forms F28L.
Identifiers: ClinVar variation 986242 (VCV000986242.5), dbSNP rs762117823, ClinGen allele CA2405706.